The following is an entry in ClinVar:

NM_006121.4(KRT1):c.1310T>C (p.Leu437Pro)

Gene: KRT1 (keratin 1; minus strand). Cytogenetic location: 12q13.13.
Variant type: single nucleotide variant.
Coding change: c.1310T>C on transcript NM_006121.4 (MANE Select); coding-DNA position 1310, T replaced by C.
Protein change: p.Leu437Pro; replaces leucine 437 with proline.
Molecular consequence: missense variant.
Genome position (GRCh38, 1-based): chr12:52,676,440, A>G on the plus strand (T>C on the coding strand, the complement: KRT1 is on the minus strand). VCF-style: chr12-52676440-A-G. GRCh37 (hg19) VCF-style: chr12-53070224-A-G.
Other names: short protein forms L437P.
Identifiers: ClinVar variation 66620 (VCV000066620.3), dbSNP rs267607428, ClinGen allele CA217409.

ClinVar aggregate classification (germline): Likely pathogenic. Review status: criteria provided, single submitter (1 of 4 stars). 2 submissions from 2 submitters: Likely pathogenic (1). 1 of the submissions does not count toward it. Last evaluated 2023-04-05.

Allele frequency attached by ClinVar (database versions not stated): gnomAD exomes below 0.00001.
gnomAD v4.1: 3 of 1,614,164 alleles (0.00019%); highest among the groups gnomAD compares: Non-Finnish European, 0.00025%; no homozygotes.

Submissions (2):

GeneDx
Classification: Likely pathogenic. Last evaluated: 2023-04-05. Review status: criteria provided, single submitter. Criteria: GeneDx Variant Classification Process June 2021. Collection method: clinical testing. Allele origin: germline.
Comment: Not observed at significant frequency in large population cohorts (gnomAD); In silico analysis supports that this missense variant has a deleterious effect on protein structure/function (Banerjee et al., 2016); This variant is associated with the following publications: (PMID: 19470048, 27421141)

Epithelial Biology;  Institute of Medical Biology, Singapore
No classification provided. Review status: no classification provided. Collection method: not provided. Allele origin: not provided. Not counted in ClinVar's aggregate classification.